The following is an entry in ClinVar:

ClinVar aggregate classification (germline): Uncertain significance (1 of 4 stars; one submission).

Conditions:
Atypical hemolytic-uremic syndrome. Identifiers: Orphanet 2134, MedGen C2931788, MONDO:0016244.

gnomAD v4.1: 1 of 1,613,314 alleles (0.000062%); highest among the groups gnomAD compares: Non-Finnish European, 0.000085%; no homozygotes.

Submission:

Genomenon, Inc
Classification: Uncertain significance for Atypical hemolytic-uremic syndrome. Last evaluated: 2026-09-17. Review status: criteria provided, single submitter. Criteria: Genomenon Sequence Variant Interpretation Standards - Updated. Collection method: curation. Allele origin: germline. Affected: no.
Comment: CFB p.Glu232Ala (c.695A>C) is a missense variant that changes the amino acid at codon 232 from Glutamic acid to Alanine. This variant has been reported in the published literature (PMID:21862585). It is absent or not present at a significant frequency in gnomAD. In silico models predict that this variant is not damaging. In conclusion, we classify CFB p.Glu232Ala (c.695A>C) as a variant of uncertain significance.

Literature cited by the submitters: PubMed 21862585.

NM_001710.6(CFB):c.695A>C (p.Glu232Ala)

Gene: CFB (complement factor B; plus strand). Cytogenetic location: 6p21.33.
Variant type: single nucleotide variant.
Coding change: c.695A>C on transcript NM_001710.6 (MANE Select); coding-DNA position 695, A replaced by C.
Protein change: p.Glu232Ala; replaces glutamic acid 232 with alanine.
Molecular consequence: missense variant.
Genome position (GRCh38, 1-based): chr6:31,947,778, A>C. VCF-style: chr6-31947778-A-C. GRCh37 (hg19) VCF-style: chr6-31915555-A-C.
Other names: short protein forms E232A.
Identifiers: ClinVar variation 4976829 (VCV004976829.1).
Genomic context (GRCh38, chr6:31,947,778, plus strand): 5'-TGACCTCATTTCTGACTCTCCCAGACTCCTTCATGTACGACACCCCTCAAGAGGTGGCCG[A>C]AGCTTTCCTGTCTTCCCTGACAGAGACCATAGAAGGAGTCGATGCTGAGGATGGGCACGG-3'
Protein context (NP_001701.2, residues 222-242): FMYDTPQEVA[Glu232Ala]AFLSSLTETI